The following is an entry in ClinVar:

NM_152564.5(VPS13B):c.10039C>A (p.Pro3347Thr)

Gene: VPS13B (vacuolar protein sorting 13 homolog B; plus strand). Cytogenetic location: 8q22.2.
Variant type: single nucleotide variant.
Coding change: c.10039C>A on transcript NM_152564.5 (MANE Select); coding-DNA position 10039, C replaced by A.
Protein change: p.Pro3347Thr; replaces proline 3347 with threonine.
Molecular consequence: missense variant.
Genome position (GRCh38, 1-based): chr8:99,848,872, C>A. VCF-style: chr8-99848872-C-A. GRCh37 (hg19) VCF-style: chr8-100861100-C-A.
Other names: c.10114C>A, p.Pro3372Thr (NM_017890.5); short protein forms P3347T, P3372T.
Identifiers: ClinVar variation 3606745 (VCV003606745.2).

ClinVar aggregate classification (germline): Uncertain significance (1 of 4 stars; one submission).

Conditions:
Cohen syndrome (COH1). Also called: Cutis verticis gyrata, retinitis pigmentosa, and sensorineural deafness; PEPPER SYNDROME. Identifiers: Orphanet 193, MedGen C0265223, MONDO:0008999, OMIM 216550.

gnomAD v4.1: 2 of 1,614,112 alleles (0.00012%); highest among the groups gnomAD compares: East Asian, 0.0045%; no homozygotes.

Submission:

Labcorp Genetics (formerly Invitae), Labcorp
Classification: Uncertain significance for Cohen syndrome. Last evaluated: 2024-08-12. Review status: criteria provided, single submitter. Criteria: Invitae Variant Classification Sherloc (09022015). Collection method: clinical testing. Allele origin: germline.
Comment: This sequence change replaces proline, which is neutral and non-polar, with threonine, which is neutral and polar, at codon 3372 of the VPS13B protein (p.Pro3372Thr). This variant is not present in population databases (gnomAD no frequency). This variant has not been reported in the literature in individuals affected with VPS13B-related conditions. Advanced modeling of protein sequence and biophysical properties (such as structural, functional, and spatial information, amino acid conservation, physicochemical variation, residue mobility, and thermodynamic stability) performed at Invitae indicates that this missense variant is not expected to disrupt VPS13B protein function with a negative predictive value of 80%. In summary, the available evidence is currently insufficient to determine the role of this variant in disease. Therefore, it has been classified as a Variant of Uncertain Significance.